The following is an entry in ClinVar:

ClinVar aggregate classification (germline): Uncertain significance. Review status: criteria provided, multiple submitters, no conflicts (2 of 4 stars). 2 submissions from 2 submitters: Uncertain significance (2). Last evaluated 2024-05-02.

Conditions:
Nemaline myopathy 2 (NEM2). Also called: Nemaline myopathy 2, autosomal recessive. Identifiers: MedGen C1850569, MONDO:0009725, OMIM 256030.
Inborn genetic diseases. Identifiers: MedGen C0950123, MeSH D030342.

gnomAD v4.1: 6 of 1,613,518 alleles (0.00037%); highest among the groups gnomAD compares: South Asian, 0.0011%; no homozygotes.

Submissions (2):

Ambry Genetics
Classification: Uncertain significance for Inborn genetic diseases. Last evaluated: 2024-05-02. Review status: criteria provided, single submitter. Criteria: Ambry Variant Classification Scheme 2023. Collection method: clinical testing. Allele origin: germline.

Labcorp Genetics (formerly Invitae), Labcorp
Classification: Uncertain significance for Nemaline myopathy 2. Last evaluated: 2022-03-14. Review status: criteria provided, single submitter. Criteria: Invitae Variant Classification Sherloc (09022015). Collection method: clinical testing. Allele origin: germline.
Comment: Algorithms developed to predict the effect of missense changes on protein structure and function are either unavailable or do not agree on the potential impact of this missense change (SIFT: "Deleterious"; PolyPhen-2: "Not Available"; Align-GVGD: "Class C0"). This variant has not been reported in the literature in individuals affected with NEB-related conditions. This variant is present in population databases (rs750152377, gnomAD 0.004%). This sequence change replaces alanine, which is neutral and non-polar, with serine, which is neutral and polar, at codon 6910 of the NEB protein (p.Ala6910Ser). In summary, the available evidence is currently insufficient to determine the role of this variant in disease. Therefore, it has been classified as a Variant of Uncertain Significance.

NM_001164508.2(NEB):c.20728G>T (p.Ala6910Ser)

Gene: NEB (nebulin; minus strand). Cytogenetic location: 2q23.3.
Variant type: single nucleotide variant.
Coding change: c.20728G>T on transcript NM_001164508.2 (MANE Select); coding-DNA position 20728, G replaced by T.
Protein change: p.Ala6910Ser; replaces alanine 6910 with serine.
Molecular consequence: missense variant.
Genome position (GRCh38, 1-based): chr2:151,540,756, C>A on the plus strand (G>T on the coding strand, the complement: NEB is on the minus strand). VCF-style: chr2-151540756-C-A. GRCh37 (hg19) VCF-style: chr2-152397270-C-A.
Other names: c.20728G>T, p.Ala6910Ser (NM_001164507.2, NM_001271208.2); c.15625G>T, p.Ala5209Ser (NM_004543.5); c.15625G>T (NM_004543.4); short protein forms A6910S, A5209S.
Identifiers: ClinVar variation 2142727 (VCV002142727.5), dbSNP rs750152377, ClinGen allele CA1907177.